The following is an entry in ClinVar:

ClinVar aggregate classification (germline): Conflicting classifications of pathogenicity. Review status: criteria provided, conflicting classifications (1 of 4 stars). 2 submissions from 2 submitters: Uncertain significance (1); Likely benign (1). Last evaluated 2025-05-08.

Conditions:
Hereditary cancer-predisposing syndrome. Also called: Hereditary neoplastic syndrome; Neoplastic Syndromes, Hereditary; Hereditary Cancer Syndrome; Tumor predisposition. Identifiers: Orphanet 140162, MedGen C0027672, MeSH D009386, MONDO:0015356.
Hereditary breast ovarian cancer syndrome. Also called: BRCA1- and BRCA2-Associated Hereditary Breast and Ovarian Cancer; Hereditary breast and ovarian cancer syndrome; Hereditary breast and ovarian cancer syndrome (HBOC); Hereditary breast and/or ovarian cancer syndrome; Breast and ovarian cancer; Hereditary breast and ovarian cancer. Identifiers: Orphanet 145, MedGen C0677776, MeSH D061325, MONDO:0003582. Disease mechanism: loss of function.

Submissions (2):

Ambry Genetics
Classification: Likely benign for Hereditary cancer-predisposing syndrome. Last evaluated: 2025-05-08. Review status: criteria provided, single submitter. Criteria: Ambry Variant Classification Scheme 2023. Collection method: clinical testing. Allele origin: germline.

Labcorp Genetics (formerly Invitae), Labcorp
Classification: Uncertain significance for Hereditary breast ovarian cancer syndrome. Last evaluated: 2018-12-22. Review status: criteria provided, single submitter. Criteria: Invitae Variant Classification Sherloc (09022015). Collection method: clinical testing. Allele origin: germline.
Comment: In summary, the available evidence is currently insufficient to determine the role of this variant in disease. Therefore, it has been classified as a Variant of Uncertain Significance. Algorithms developed to predict the effect of missense changes on protein structure and function output the following: SIFT: "Tolerated"; PolyPhen-2: "Possibly Damaging"; Align-GVGD: "Class C0". The valine amino acid residue is found in multiple mammalian species, suggesting that this missense change does not adversely affect protein function. These predictions have not been confirmed by published functional studies and their clinical significance is uncertain. This variant has not been reported in the literature in individuals with BRCA2-related conditions. This variant is not present in population databases (ExAC no frequency). This sequence change replaces alanine with valine at codon 2738 of the BRCA2 protein (p.Ala2738Val). The alanine residue is moderately conserved and there is a small physicochemical difference between alanine and valine.

NM_000059.4(BRCA2):c.8213C>T (p.Ala2738Val)

Gene: BRCA2 (BRCA2 DNA repair associated; plus strand). Cytogenetic location: 13q13.1.
Variant type: single nucleotide variant.
Coding change: c.8213C>T on transcript NM_000059.4 (MANE Select); coding-DNA position 8213, C replaced by T.
Protein change: p.Ala2738Val; replaces alanine 2738 with valine.
Molecular consequence: missense variant.
Genome position (GRCh38, 1-based): chr13:32,363,415, C>T. VCF-style: chr13-32363415-C-T. GRCh37 (hg19) VCF-style: chr13-32937552-C-T.
Other names: short protein forms A2738V.
Identifiers: ClinVar variation 659438 (VCV000659438.14), dbSNP rs1555287046, ClinGen allele CA387749790.